The following is an entry in ClinVar:

NM_004075.5(CRY1):c.636T>C (p.Gly212=)

Gene: CRY1 (cryptochrome circadian regulator 1; minus strand). Cytogenetic location: 12q23.3.
Variant type: single nucleotide variant.
Coding change: c.636T>C on transcript NM_004075.5 (MANE Select); coding-DNA position 636, T replaced by C.
Protein change: p.Gly212=; no amino-acid change (glycine 212 retained).
Molecular consequence: synonymous variant. On other transcripts: non-coding transcript variant (2).
Genome position (GRCh38, 1-based): chr12:107,001,328, A>G on the plus strand (T>C on the coding strand, the complement: CRY1 is on the minus strand). VCF-style: chr12-107001328-A-G. GRCh37 (hg19) VCF-style: chr12-107395106-A-G.
Other names: c.636T>C, p.Gly212= (NM_001413458.1, NM_001413459.1, NM_001413460.1 and 2 more transcripts); c.630T>C, p.Gly210= (NM_001413463.1); c.552T>C, p.Gly184= (NM_001413464.1, NM_001413465.1); c.249T>C, p.Gly83= (NM_001413466.1); c.159T>C, p.Gly53= (NM_001413467.1, NM_001413468.1, NM_001413469.1 and 1 more transcripts).
Identifiers: ClinVar variation 3059240 (VCV003059240.3), dbSNP rs8192440, ClinGen allele CA6764242.

ClinVar aggregate classification (germline): Likely benign. Review status: criteria provided, single submitter (1 of 4 stars). 2 submissions from 2 submitters: Likely benign (1). 1 of the submissions does not count toward it. Last evaluated 2024-11-27.

Conditions:
CRY1-related disorder. Also called: CRY1-related condition.

Allele frequency attached by ClinVar (database versions not stated): ESP Exome Variant Server 0.69084; gnomAD 0.70404; TOPMed 0.72229; 1000 Genomes Project 30x 0.78779; 1000 Genomes Project 0.78974.
gnomAD v4.1: 1,052,974 of 1,611,886 alleles (65%); highest among the groups gnomAD compares: East Asian, 96%; 349,652 homozygotes.

Submissions (2):

Blueprint Genetics
Classification: Likely benign. Last evaluated: 2024-11-27. Review status: criteria provided, single submitter. Criteria: ACMG Guidelines, 2015. Collection method: clinical testing. Allele origin: germline.

PreventionGenetics, part of Exact Sciences
Classification: Benign for CRY1-related condition. Last evaluated: 2019-10-17. Review status: no assertion criteria provided. Collection method: clinical testing. Allele origin: germline. Not counted in ClinVar's aggregate classification.
Comment: This variant is classified as benign based on ACMG/AMP sequence variant interpretation guidelines (Richards et al. 2015 PMID: 25741868, with internal and published modifications).